The following is an entry in ClinVar:

NM_001129.5(AEBP1):c.2289C>T (p.Asn763=)

Gene: AEBP1 (AE binding protein 1; plus strand). Cytogenetic location: 7p13.
Variant type: single nucleotide variant.
Coding change: c.2289C>T on transcript NM_001129.5 (MANE Select); coding-DNA position 2289, C replaced by T.
Protein change: p.Asn763=; no amino-acid change (asparagine 763 retained).
Molecular consequence: synonymous variant.
Genome position (GRCh38, 1-based): chr7:44,112,629, C>T. VCF-style: chr7-44112629-C-T. GRCh37 (hg19) VCF-style: chr7-44152228-C-T.
Other names: c.2289C>T (NM_001129.4).
Identifiers: ClinVar variation 1591092 (VCV001591092.12), dbSNP rs149410697, ClinGen allele CA4238171.

ClinVar aggregate classification (germline): Benign/Likely benign. Review status: criteria provided, multiple submitters, no conflicts (2 of 4 stars). 4 submissions from 4 submitters: Benign (1); Likely benign (2). 1 of the submissions does not count toward it. Last evaluated 2026-04-24.

Conditions:
AEBP1-related disorder. Also called: AEBP1-related condition.

Allele frequency attached by ClinVar (database versions not stated): gnomAD 0.00010 and 0.00011; gnomAD exomes 0.00015 and 0.00030; ESP Exome Variant Server 0.00023; ExAC 0.00028.
gnomAD v4.1: 244 of 1,610,974 alleles (0.015%); highest among the groups gnomAD compares: Middle Eastern, 0.082%; no homozygotes.

Submissions (4):

Women's Health and Genetics/Laboratory Corporation of America, LabCorp
Classification: Likely benign. Last evaluated: 2026-04-24. Review status: criteria provided, single submitter. Criteria: LabCorp Variant Classification Summary - May 2015. Collection method: clinical testing. Allele origin: germline.

Labcorp Genetics (formerly Invitae), Labcorp
Classification: Benign. Last evaluated: 2025-12-01. Review status: criteria provided, single submitter. Criteria: Invitae Variant Classification Sherloc (09022015). Collection method: clinical testing. Allele origin: germline.

Blueprint Genetics
Classification: Likely benign. Last evaluated: 2024-10-25. Review status: criteria provided, single submitter. Criteria: ACMG Guidelines, 2015. Collection method: clinical testing. Allele origin: germline.

PreventionGenetics, part of Exact Sciences
Classification: Likely benign for AEBP1-related condition. Last evaluated: 2020-05-15. Review status: no assertion criteria provided. Collection method: clinical testing. Allele origin: germline. Not counted in ClinVar's aggregate classification.
Comment: This variant is classified as likely benign based on ACMG/AMP sequence variant interpretation guidelines (Richards et al. 2015 PMID: 25741868, with internal and published modifications).